The following is an entry in ClinVar:

NM_000051.4(ATM):c.6007-10A>G

Genes: ATM (ATM serine/threonine kinase; plus strand), C11orf65 (chromosome 11 open reading frame 65; minus strand). Cytogenetic location: 11q22.3.
Variant type: single nucleotide variant.
Coding change: c.6007-10A>G on transcript NM_000051.4 (MANE Select); 10 bases into the intron before coding-DNA position 6007, A replaced by G.
Molecular consequence: intron variant.
Genome position (GRCh38, 1-based): chr11:108,315,813, A>G. VCF-style: chr11-108315813-A-G. GRCh37 (hg19) VCF-style: chr11-108186540-A-G.
Other names: c.6007-10A>G (NM_001351834.2); c.641-6742T>C (NM_001330368.2); c.*39-6742T>C (NM_001351110.2).
Identifiers: ClinVar variation 556121 (VCV000556121.16), dbSNP rs373395916, ClinGen allele CA6265836.

ClinVar aggregate classification (germline): Likely benign. Review status: criteria provided, multiple submitters, no conflicts (2 of 4 stars). 4 submissions from 4 submitters: Likely benign (3). 1 of the submissions does not count toward it. Last evaluated 2025-11-05.

Conditions:
Hereditary cancer-predisposing syndrome. Also called: Hereditary Cancer Syndrome; Neoplastic Syndromes, Hereditary; Tumor predisposition; Hereditary neoplastic syndrome. Identifiers: Orphanet 140162, MedGen C0027672, MeSH D009386, MONDO:0015356.
Familial cancer of breast. Also called: BREAST CANCER, FAMILIAL; Hereditary breast cancer; hereditary breast carcinoma. Identifiers: Orphanet 227535, MedGen C0346153, MONDO:0016419, OMIM 114480. Disease mechanism: loss of function.
Ataxia-telangiectasia syndrome (AT). Also called: Cerebello-oculocutaneous telangiectasia; Immunodeficiency with ataxia telangiectasia; Ataxia-telangiectasia, complementation group E; Ataxia-telangiectasia, complementation group D; AT, COMPLEMENTATION GROUP C; ATAXIA-TELANGIECTASIA, COMPLEMENTATION GROUP A. Identifiers: Orphanet 100, MedGen C0004135, MONDO:0008840, OMIM 208900.

Allele frequency attached by ClinVar (database versions not stated): TOPMed below 0.00001; ExAC 0.00001; ESP Exome Variant Server 0.00008; gnomAD exomes 0.00001.
gnomAD v4.1: 15 of 1,605,696 alleles (0.00093%); highest among the groups gnomAD compares: Non-Finnish European, 0.0012%; no homozygotes.

Submissions (4):

Labcorp Genetics (formerly Invitae), Labcorp
Classification: Likely benign for Ataxia-telangiectasia syndrome. Last evaluated: 2025-11-05. Review status: criteria provided, single submitter. Criteria: Invitae Variant Classification Sherloc (09022015). Collection method: clinical testing. Allele origin: germline.

Myriad Genetics, Inc.
Classification: Likely benign for Familial cancer of breast. Last evaluated: 2024-05-30. Review status: criteria provided, single submitter. Criteria: Myriad Autosomal Dominant, Autosomal Recessive and X-Linked Classification Criteria (2023). Collection method: clinical testing. Allele origin: unknown.
Comment: This variant is considered likely benign. This variant is intronic and is not expected to impact mRNA splicing.

Color Diagnostics, LLC DBA Color Health
Classification: Likely benign for Hereditary cancer-predisposing syndrome. Last evaluated: 2017-11-15. Review status: criteria provided, single submitter. Criteria: ACMG Guidelines, 2015. Collection method: clinical testing. Allele origin: germline.

Counsyl
Classification: Likely benign for Ataxia-telangiectasia syndrome. Last evaluated: 2018-01-15. Review status: no assertion criteria provided. Collection method: clinical testing. Allele origin: unknown. Not counted in ClinVar's aggregate classification.